The following is an entry in ClinVar:

ClinVar aggregate classification (germline): Pathogenic/Likely pathogenic. Review status: criteria provided, multiple submitters, no conflicts (2 of 4 stars). 2 submissions from 2 submitters: Pathogenic (1); Likely pathogenic (1). Last evaluated 2025-10-02.

Conditions:
Osteogenesis imperfecta type I (OI1). Also called: OI, TYPE I; OSTEOGENESIS IMPERFECTA TARDA; OSTEOGENESIS IMPERFECTA WITH BLUE SCLERAE; Classic Non-deforming Osteogenesis Imperfecta with Blue Sclerae; Osteogenesis imperfecta type 1; Lobstein's Disease. Identifiers: Orphanet 216796, Orphanet 666, MedGen C0023931, MONDO:0008146, OMIM 166200. Disease mechanism: loss of function.
Ehlers-Danlos syndrome, classic type, 1 (EDSCL1). Also called: EHLERS-DANLOS SYNDROME, GRAVIS TYPE; EHLERS-DANLOS SYNDROME, SEVERE CLASSIC TYPE; Ehlers-Danlos syndrome, type 1; Ehlers-Danlos Syndrome, Classic Type, COL5A1-Related; EDS I. Identifiers: MedGen C0268335, MONDO:0019567, OMIM 130000.

Allele frequency attached by ClinVar (database versions not stated): gnomAD exomes 0.00001 and below 0.00001.
gnomAD v4.1: 7 of 1,613,998 alleles (0.00043%); highest among the groups gnomAD compares: Non-Finnish European, 0.00059%; no homozygotes.

Submissions (2):

Labcorp Genetics (formerly Invitae), Labcorp
Classification: Pathogenic for Osteogenesis imperfecta type I; Ehlers-Danlos syndrome, classic type, 1. Last evaluated: 2025-10-02. Review status: criteria provided, single submitter. Criteria: Invitae Variant Classification Sherloc (09022015). Collection method: clinical testing. Allele origin: germline.
Comment: This sequence change replaces glycine, which is neutral and non-polar, with serine, which is neutral and polar, at codon 1066 of the COL1A2 protein (p.Gly1066Ser). This variant is present in population databases (no rsID available, gnomAD 0.0009%). This missense change has been observed in individual(s) with Ehlers-Danlos syndrome (PMID: 36896471). ClinVar contains an entry for this variant (Variation ID: 1163008). Invitae Evidence Modeling of protein sequence and biophysical properties (such as structural, functional, and spatial information, amino acid conservation, physicochemical variation, residue mobility, and thermodynamic stability) indicates that this missense variant is expected to disrupt COL1A2 protein function with a positive predictive value of 95%. This variant disrupts the triple helix domain of COL1A2. Glycine residues within the Gly-Xaa-Yaa repeats of the triple helix domain are required for the structure and stability of fibrillar collagens (PMID: 7695699, 8218237, 19344236). In COL1A2, variants affecting these glycine residues are significantly enriched in individuals with disease (PMID: 9016532, 17078022) compared to the general population (ExAC). This variant disrupts the p.Gly1066 amino acid residue in COL1A2. Other variant(s) that disrupt this residue have been observed in individuals with COL1A2-related conditions (PMID: 2238087, 30829463, 36896471), which suggests that this may be a clinically significant amino acid residue. For these reasons, this variant has been classified as Pathogenic.

Mayo Clinic Laboratories, Mayo Clinic
Classification: Likely pathogenic. Last evaluated: 2020-02-05. Review status: criteria provided, single submitter. Criteria: ACMG Guidelines, 2015. Collection method: clinical testing. Allele origin: germline. Observed: 1 variant allele.
Comment: PP3, PM1, PM5, PM2

Literature cited by the submitters: PubMed 36896471 (cited by Labcorp Genetics (formerly Invitae), Labcorp); PubMed 7695699 (cited by Labcorp Genetics (formerly Invitae), Labcorp); PubMed 8218237 (cited by Labcorp Genetics (formerly Invitae), Labcorp); PubMed 19344236 (cited by Labcorp Genetics (formerly Invitae), Labcorp); PubMed 9016532 (cited by Labcorp Genetics (formerly Invitae), Labcorp); PubMed 17078022 (cited by Labcorp Genetics (formerly Invitae), Labcorp); PubMed 2238087 (cited by Labcorp Genetics (formerly Invitae), Labcorp); PubMed 30829463 (cited by Labcorp Genetics (formerly Invitae), Labcorp and Mayo Clinic Laboratories, Mayo Clinic); PubMed 26307460 (cited by Mayo Clinic Laboratories, Mayo Clinic); PubMed 30715774 (cited by Mayo Clinic Laboratories, Mayo Clinic).

NM_000089.4(COL1A2):c.3196G>A (p.Gly1066Ser)

Gene: COL1A2 (collagen type I alpha 2 chain; plus strand). Cytogenetic location: 7q21.3.
Variant type: single nucleotide variant.
Coding change: c.3196G>A on transcript NM_000089.4 (MANE Select); coding-DNA position 3196, G replaced by A.
Protein change: p.Gly1066Ser; replaces glycine 1066 with serine.
Molecular consequence: missense variant.
Genome position (GRCh38, 1-based): chr7:94,427,224, G>A. VCF-style: chr7-94427224-G-A. GRCh37 (hg19) VCF-style: chr7-94056536-G-A.
Other names: short protein forms G1066S.
Identifiers: ClinVar variation 1163008 (VCV001163008.6), dbSNP rs1269193853, ClinGen allele CA368225477.